The following is an entry in ClinVar:

ClinVar aggregate classification (germline): Likely benign (0 of 4 stars; one submission).

Conditions:
AKT3-related disorder. Also called: AKT3-related condition.

Submission:

PreventionGenetics, part of Exact Sciences
Classification: Likely benign for AKT3-related condition. Last evaluated: 2024-08-08. Review status: no assertion criteria provided. Collection method: clinical testing. Allele origin: germline.
Comment: This variant is classified as likely benign based on ACMG/AMP sequence variant interpretation guidelines (Richards et al. 2015 PMID: 25741868, with internal and published modifications).

NM_005465.7(AKT3):c.*5510_*5512del

Genes: AKT3 (AKT serine/threonine kinase 3; minus strand), SDCCAG8 (SHH signaling and ciliogenesis regulator SDCCAG8; plus strand). Cytogenetic location: 1q43.
Variant type: Deletion.
Coding change: c.*5510_*5512del on transcript NM_005465.7 (MANE Select); 5510 bases downstream of the stop codon through 5512 bases downstream of the stop codon, 3 bases deleted (AAA; older notation c.*5510_*5512delAAA).
Molecular consequence: 3 prime UTR variant. On other transcripts: intron variant (6).
Genome position (GRCh38, 1-based): chr1:243,499,737-243,499,739, TTT deleted on the plus strand (AAA on the coding strand, the reverse complement: AKT3 is on the minus strand); deleting any 3 consecutive bases within chr1:243,499,737-243,499,741 gives the same sequence; the c. name uses the placement nearest the transcript's 3' end. VCF-style (leftmost placement, unchanged base first): chr1-243499736-CTTT-C. GRCh37 (hg19) VCF-style: chr1-243663038-CTTT-C.
Other names: c.*4_*6del (NM_001206729.2, NM_181690.2); c.*5510_*5512del (NM_001370074.1); c.1819-17_1819-15del (NM_001350249.2); c.1210-17_1210-15del (NM_001350251.2, NM_001350246.2, NM_001350247.2); c.2209-17_2209-15del (NM_001350248.2); c.2113-17_2113-15del (NM_006642.5).
Identifiers: ClinVar variation 3347518 (VCV003347518.1).